The following is an entry in ClinVar:

ClinVar aggregate classification (germline): Benign (1 of 4 stars; one submission).

Conditions:
Primary ciliary dyskinesia 11. Also called: CILIARY DYSKINESIA, PRIMARY, 11, WITHOUT SITUS INVERSUS. Identifiers: Orphanet 244, MedGen C2675229, MONDO:0012978, OMIM 612649.

Allele frequency attached by ClinVar (database versions not stated): TOPMed 0.17916; gnomAD 0.18366 and 0.18592; gnomAD exomes 0.18949; 1000 Genomes Project 30x 0.19956; 1000 Genomes Project 0.20467.
gnomAD v4.1: 34,430 of 184,144 alleles (19%); highest among the groups gnomAD compares: East Asian, 29%; 3,507 homozygotes.

Submission:

Illumina Laboratory Services, Illumina
Classification: Benign for Primary ciliary dyskinesia 11. Last evaluated: 2018-01-12. Review status: criteria provided, single submitter. Criteria: ICSL Variant Classification Criteria 13 December 2019. Collection method: clinical testing. Allele origin: germline.
Comment: This variant was observed in the ICSL laboratory as part of a predisposition screen in an ostensibly healthy population. It had not been previously curated by ICSL or reported in the Human Gene Mutation Database (HGMD: prior to June 1st, 2018), and was therefore a candidate for classification through an automated scoring system. Utilizing variant allele frequency, disease prevalence and penetrance estimates, and inheritance mode, an automated score was calculated to assess if this variant is too frequent to cause the disease. Based on the score and internal cut-off values, a variant classified as benign is not then subjected to further curation. The score for this variant resulted in a classification of benign for this disease.

NM_001010892.3(RSPH4A):c.*465T>C

Gene: RSPH4A (radial spoke head component 4A; plus strand). Cytogenetic location: 6q22.1.
Variant type: single nucleotide variant.
Coding change: c.*465T>C on transcript NM_001010892.3 (MANE Select); 465 bases downstream of the stop codon, T replaced by C.
Molecular consequence: 3 prime UTR variant.
Genome position (GRCh38, 1-based): chr6:116,632,906, T>C. VCF-style: chr6-116632906-T-C. GRCh37 (hg19) VCF-style: chr6-116954069-T-C.
Other names: c.*677T>C (NM_001161664.2).
Identifiers: ClinVar variation 355131 (VCV000355131.5), dbSNP rs6925922, ClinGen allele CA10622835.
Genomic context (GRCh38, chr6:116,632,906, plus strand): 5'-AAATTCTTGGAAACATCAATACTTTTTAAAGAGTGTCAAGGGGTATGAAGACAAAAAATA[T>C]TGATAGTCACTAGAGTAATGTATTCTTAACCTTTGTAAGAACTGATCTCAGCATGTATTC-3'